The following is an entry in ClinVar:

ClinVar aggregate classification (germline): Likely benign. Review status: criteria provided, multiple submitters, no conflicts (2 of 4 stars). 2 submissions from 2 submitters: Likely benign (2). Last evaluated 2023-01-13.

Allele frequency attached by ClinVar (database versions not stated): gnomAD 0.00003; gnomAD exomes 0.00001 and 0.00002; ExAC 0.00002; TOPMed 0.00002.
gnomAD v4.1: 15 of 1,613,924 alleles (0.00093%); highest among the groups gnomAD compares: African/African-American, 0.0093%; no homozygotes.

Submissions (2):

Labcorp Genetics (formerly Invitae), Labcorp
Classification: Likely benign. Last evaluated: 2023-01-13. Review status: criteria provided, single submitter. Criteria: Invitae Variant Classification Sherloc (09022015). Collection method: clinical testing. Allele origin: germline.

Women's Health and Genetics/Laboratory Corporation of America, LabCorp
Classification: Likely benign. Last evaluated: 2022-02-28. Review status: criteria provided, single submitter. Criteria: LabCorp Variant Classification Summary - May 2015. Collection method: clinical testing. Allele origin: germline.
Comment: Variant summary: IGF1R c.3432C>T alters a non-conserved nucleotide resulting in a synonymous change. 4/4 computational tools predict no significant impact on normal splicing. However, these predictions have yet to be confirmed by functional studies. The variant allele was found at a frequency of 1.6e-05 in 251454 control chromosomes. The available data on variant occurrences in the general population are insufficient to allow any conclusion about variant significance. To our knowledge, no occurrence of c.3432C>T in individuals affected with Growth Delay Due To Insulin-Like Growth Factor I Resistance and no experimental evidence demonstrating its impact on protein function have been reported. No clinical diagnostic laboratories have submitted clinical-significance assessments for this variant to ClinVar after 2014. Based on the evidence outlined above, the variant was classified as likely benign.

NM_000875.5(IGF1R):c.3432C>T (p.Ala1144=)

Gene: IGF1R (insulin like growth factor 1 receptor; plus strand). Cytogenetic location: 15q26.3.
Variant type: single nucleotide variant.
Coding change: c.3432C>T on transcript NM_000875.5 (MANE Select); coding-DNA position 3432, C replaced by T.
Protein change: p.Ala1144=; no amino-acid change (alanine 1144 retained).
Molecular consequence: synonymous variant.
Genome position (GRCh38, 1-based): chr15:98,939,335, C>T. VCF-style: chr15-98939335-C-T. GRCh37 (hg19) VCF-style: chr15-99482564-C-T.
Other names: c.3429C>T, p.Ala1143= (NM_001291858.2).
Identifiers: ClinVar variation 1343506 (VCV001343506.4), dbSNP rs745442206, ClinGen allele CA7752672.